The following is an entry in ClinVar:

NM_001042492.3(NF1):c.-8G>A

Genes: MIR4733HG (MIR4733 host gene; minus strand), NF1 (neurofibromin 1; plus strand), LOC111811965 (NF1 (neurofibromin 1) promoter region; plus strand). Cytogenetic location: 17q11.2.
Variant type: single nucleotide variant.
Coding change: c.-8G>A on transcript NM_001042492.3 (MANE Select); 8 bases upstream of the start codon, G replaced by A.
Molecular consequence: 5 prime UTR variant. On other transcripts: non-coding transcript variant (1).
Genome position (GRCh38, 1-based): chr17:31,095,302, G>A. VCF-style: chr17-31095302-G-A. GRCh37 (hg19) VCF-style: chr17-29422320-G-A.
Other names: c.-8G>A (NM_000267.4, NM_001128147.3).
Identifiers: ClinVar variation 219977 (VCV000219977.5), dbSNP rs864622331, ClinGen allele CA348981.
Genomic context (GRCh38, chr17:31,095,302, plus strand): 5'-CCGCCCTCTTCCCGGCCCAGGGCGCCGGCCCACCCTTCCCTCCGCCGCCCCCCGGCCGCG[G>A]GGAGGACATGGCCGCGCACAGGCCGGTGGAATGGGTCCAGGCCGTGGTCAGCCGCTTCGA-3'

ClinVar aggregate classification (germline): Uncertain significance. Review status: criteria provided, single submitter (1 of 4 stars). 2 submissions from 2 submitters: Uncertain significance (1). 1 of the submissions does not count toward it. Last evaluated 2015-08-26.

Conditions:
NF1-related disorder. Also called: NF1-related condition. Identifiers: MedGen CN379171.
Neurofibromatosis, type 1 (NF1). Also called: Peripheral type neurofibromatosis; NEUROFIBROMATOSIS, TYPE I, SOMATIC; Neurofibromatosis, type I; VON RECKLINGHAUSEN DISEASE. Identifiers: Orphanet 636, MedGen C0027831, MONDO:0018975, OMIM 162200. Disease mechanism: loss of function.

Allele frequency attached by ClinVar (database versions not stated): gnomAD exomes 0.00001.
gnomAD v4.1: 3 of 1,536,966 alleles (0.0002%); highest among the groups gnomAD compares: Non-Finnish European, 0.00026%; no homozygotes.

Submissions (2):

Labcorp Genetics (formerly Invitae), Labcorp
Classification: Uncertain significance for Neurofibromatosis, type 1. Last evaluated: 2015-08-26. Review status: criteria provided, single submitter. Criteria: Invitae Variant Classification Sherloc (09022015). Collection method: clinical testing. Allele origin: germline.

PreventionGenetics, part of Exact Sciences
Classification: Likely benign for NF1-related condition. Last evaluated: 2022-04-12. Review status: no assertion criteria provided. Collection method: clinical testing. Allele origin: germline. Not counted in ClinVar's aggregate classification.
Comment: This variant is classified as likely benign based on ACMG/AMP sequence variant interpretation guidelines (Richards et al. 2015 PMID: 25741868, with internal and published modifications).